The following is an entry in ClinVar:

ClinVar aggregate classification (germline): Likely benign (0 of 4 stars; one submission).

Conditions:
CDH15-related disorder. Also called: CDH15-related condition.

Allele frequency attached by ClinVar (database versions not stated): ExAC 0.00002.
gnomAD v4.1: 12 of 1,595,802 alleles (0.00075%); highest among the groups gnomAD compares: Middle Eastern, 0.017%; no homozygotes.

Submission:

PreventionGenetics, part of Exact Sciences
Classification: Likely benign for CDH15-related condition. Last evaluated: 2019-05-23. Review status: no assertion criteria provided. Collection method: clinical testing. Allele origin: germline.
Comment: This variant is classified as likely benign based on ACMG/AMP sequence variant interpretation guidelines (Richards et al. 2015 PMID: 25741868, with internal and published modifications).

NM_004933.3(CDH15):c.1989C>T (p.Asp663=)

Gene: CDH15 (cadherin 15; plus strand). Cytogenetic location: 16q24.3.
Variant type: single nucleotide variant.
Coding change: c.1989C>T on transcript NM_004933.3 (MANE Select); coding-DNA position 1989, C replaced by T.
Protein change: p.Asp663=; no amino-acid change (aspartic acid 663 retained).
Molecular consequence: synonymous variant.
Genome position (GRCh38, 1-based): chr16:89,193,603, C>T. VCF-style: chr16-89193603-C-T. GRCh37 (hg19) VCF-style: chr16-89260011-C-T.
Identifiers: ClinVar variation 3039040 (VCV003039040.2), dbSNP rs769804850, ClinGen allele CA8239495.
Genomic context (GRCh38, chr16:89,193,603, plus strand): 5'-CCAGGACGACCTTCGAGACAATGTCCTCAACTACGATGAGCAAGGAGGCGGGGAGGAGGA[C>T]CAGGTGAGGGGGCAGGTGTGGGTGGGGAGGGGTCCCCAAGGAACCCAGGTCGCGGGCCTT-3'
Protein context (NP_004924.1, residues 653-673): NYDEQGGGEE[Asp663=]QDAYDISQLR